The following is an entry in ClinVar:

NM_005378.6(MYCN):c.969C>T (p.Cys323=)

Gene: MYCN (MYCN proto-oncogene, bHLH transcription factor; plus strand). Cytogenetic location: 2p24.3.
Variant type: single nucleotide variant.
Coding change: c.969C>T on transcript NM_005378.6 (MANE Select); coding-DNA position 969, C replaced by T.
Protein change: p.Cys323=; no amino-acid change (cysteine 323 retained).
Molecular consequence: synonymous variant. On other transcripts: 3 prime UTR variant (1).
Genome position (GRCh38, 1-based): chr2:15,945,671, C>T. VCF-style: chr2-15945671-C-T. GRCh37 (hg19) VCF-style: chr2-16085793-C-T.
Other names: c.969C>T, p.Cys323= (NM_001293228.2); c.336C>T, p.Cys112= (NM_001293231.2); c.*904C>T (NM_001293233.2).
Identifiers: ClinVar variation 4978514 (VCV004978514.1).

ClinVar aggregate classification (germline): Likely benign (1 of 4 stars; one submission).

Conditions:
MYCN-related disorder. Also called: MYCN-related condition.

gnomAD v4.1: 173 of 1,614,052 alleles (0.011%); highest among the groups gnomAD compares: Non-Finnish European, 0.015%; no homozygotes.

Submission:

PreventionGenetics, part of Exact Sciences
Classification: Likely benign for MYCN-related condition. Last evaluated: 2024-11-23. Review status: criteria provided, single submitter. Criteria: ACMG Guidelines, 2015. Collection method: clinical testing. Allele origin: germline.
Comment: This variant is classified as likely benign based on ACMG/AMP sequence variant interpretation guidelines (Richards et al. 2015 PMID: 25741868, with internal and published modifications).